The following is an entry in ClinVar:

ClinVar aggregate classification (germline): Conflicting classifications of pathogenicity. Review status: criteria provided, conflicting classifications (1 of 4 stars). 2 submissions from 2 submitters: Uncertain significance (1); Likely benign (1). Last evaluated 2025-06-15.

Conditions:
3-Methylglutaconic aciduria type 2 (BTHS). Also called: Barth syndrome; CARDIOSKELETAL MYOPATHY WITH NEUTROPENIA AND ABNORMAL MITOCHONDRIA. Identifiers: Orphanet 111, MedGen C0574083, MONDO:0010543, OMIM 302060.

Allele frequency attached by ClinVar (database versions not stated): gnomAD exomes below 0.00001.
gnomAD v4.1: 1 of 1,160,856 alleles (0.000086%); highest among the groups gnomAD compares: Middle Eastern, 0.025%; no homozygotes.

Submissions (2):

Labcorp Genetics (formerly Invitae), Labcorp
Classification: Likely benign for 3-Methylglutaconic aciduria type 2. Last evaluated: 2025-06-15. Review status: criteria provided, single submitter. Criteria: Invitae Variant Classification Sherloc (09022015). Collection method: clinical testing. Allele origin: germline.

Laboratory for Molecular Medicine, Mass General Brigham Personalized Medicine
Classification: Uncertain significance. Last evaluated: 2011-12-09. Review status: criteria provided, single submitter. Criteria: LMM Criteria. Collection method: clinical testing. Allele origin: germline. Observed: 2 variant alleles.
Comment: The 371-13C>T variant (TAZ) has not been previously reported nor previously iden tified by our laboratory. This variant is located in the 3' splice consensus seq uence, but does not alter the invariant -1/-2 positions. Splicing computational tools do not predict altered splicing, though the accuracy of these tools is unk nown. Additional information is needed to assess the clinical significance of th is variant.

NM_000116.5(TAFAZZIN):c.371-13C>G

Gene: TAFAZZIN (tafazzin, phospholipid-lysophospholipid transacylase; plus strand). Cytogenetic location: Xq28.
Variant type: single nucleotide variant.
Coding change: c.371-13C>G on transcript NM_000116.5 (MANE Select); 13 bases into the intron before coding-DNA position 371, C replaced by G.
Molecular consequence: intron variant.
Genome position (GRCh38, 1-based): chrX:154,414,088, C>G. VCF-style: chrX-154414088-C-G. GRCh37 (hg19) VCF-style: chrX-153642425-C-G.
Other names: c.425-13C>G (NM_001303465.2); c.371-13C>G (NM_181312.4); c.370+521C>G (NM_181311.4, NM_181313.4).
Identifiers: ClinVar variation 42258 (VCV000042258.9), dbSNP rs397515742, ClinGen allele CA131103.